The following is an entry in ClinVar:

ClinVar aggregate classification (germline): Pathogenic. Review status: criteria provided, multiple submitters, no conflicts (2 of 4 stars). 2 submissions from 2 submitters: Pathogenic (2). Last evaluated 2025-10-03.

Conditions:
Primary hyperoxaluria, type I (HP1). Also called: OXALOSIS I; Primary hyperoxaluria type 1; GLYCOLIC ACIDURIA; HEPATIC AGT DEFICIENCY. Identifiers: Orphanet 416, Orphanet 93598, MedGen C0268164, MONDO:0009823, OMIM 259900. Disease mechanism: loss of function.

Submissions (2):

Rare Kidney Stone Consortium and the Mayo Clinic Hyperoxaluria Center, Mayo Clinic
Classification: Pathogenic for Primary hyperoxaluria, type I. Last evaluated: 2025-10-03. Review status: criteria provided, single submitter. Criteria: ACMG Guidelines, 2015. Collection method: research. Allele origin: germline. Observed: 1 variant allele.
Comment: ACMG:PVS1, PM2, PM5

Clinical Biochemistry Laboratory, Health Services Laboratory
Classification: Pathogenic for Primary hyperoxaluria, type I. Last evaluated: 2023-10-27. Review status: criteria provided, single submitter. Criteria: ACMG Guidelines, 2015. Collection method: curation. Allele origin: germline. Affected: yes.
Comment: ACMG:PVS1 PM2 PP4

Literature cited by the submitters: PubMed 27915025 (cited by Rare Kidney Stone Consortium and the Mayo Clinic Hyperoxaluria Center, Mayo Clinic and Clinical Biochemistry Laboratory, Health Services Laboratory); PubMed 40794449 (cited by Rare Kidney Stone Consortium and the Mayo Clinic Hyperoxaluria Center, Mayo Clinic).

NM_000030.3(AGXT):c.733_734del (p.Lys245fs)

Gene: AGXT (alanine--glyoxylate aminotransferase; plus strand). Cytogenetic location: 2q37.3.
Variant type: Deletion.
Coding change: c.733_734del on transcript NM_000030.3 (MANE Select); coding-DNA positions 733 to 734, 2 bases deleted (AA; older notation c.733_734delAA).
Protein change: p.Lys245fs; shifts the reading frame from lysine 245.
Molecular consequence: frameshift variant.
Genome position (GRCh38, 1-based): chr2:240,875,161-240,875,162, AA deleted. VCF-style (leftmost placement, unchanged base first): chr2-240875160-CAA-C. GRCh37 (hg19) VCF-style: chr2-241814577-CAA-C.
Other names: c.733_734delAA (NM_000030.3); short protein forms K245fs.
Identifiers: ClinVar variation 2681187 (VCV002681187.2), dbSNP rs2528756084, ClinGen allele CA915940274.
Genomic context (GRCh38, chr2:240,875,160, plus strand): 5'-TCTCCCCAGAAAGAAGATGTACTCCCGCAAGACGAAGCCCTTCTCCTTCTACCTGGACAT[CAA>C]GTGGCTGGCCAACTTCTGGGGCTGTGACGACCAGCCCAGGATGTGAGGCCTGGCAGGGAT-3'